The following is an entry in ClinVar:

NM_003108.4(SOX11):c.341C>A (p.Pro114His)

Gene: SOX11 (SRY-box transcription factor 11; plus strand). Cytogenetic location: 2p25.2.
Variant type: single nucleotide variant.
Coding change: c.341C>A on transcript NM_003108.4 (MANE Select); coding-DNA position 341, C replaced by A.
Protein change: p.Pro114His; replaces proline 114 with histidine.
Molecular consequence: missense variant.
Genome position (GRCh38, 1-based): chr2:5,693,062, C>A. VCF-style: chr2-5693062-C-A. GRCh37 (hg19) VCF-style: chr2-5833194-C-A.
Other names: short protein forms P114H.
Identifiers: ClinVar variation 4293973 (VCV004293973.1).
Genomic context (GRCh38, chr2:5,693,062, plus strand): 5'-AGAAGATCCCGTTCATCCGGGAGGCGGAGCGGCTGCGGCTCAAGCACATGGCCGACTACC[C>A]CGACTACAAGTACCGGCCCCGGAAAAAGCCCAAAATGGACCCCTCGGCCAAGCCCAGCGC-3'
Protein context (NP_003099.1, residues 104-124): RLRLKHMADY[Pro114His]DYKYRPRKKP

ClinVar aggregate classification (germline): Likely pathogenic (1 of 4 stars; one submission).

Conditions:
Intellectual developmental disorder with microcephaly and with or without ocular malformations or hypogonadotropic hypogonadism. Also called: Intellectual disability, autosomal dominant 27; Coffin-Siris Syndrome 9. Identifiers: Orphanet 1465, MedGen C4014528, MONDO:0014376, OMIM 615866.

Submission:

3billion
Classification: Likely pathogenic for Intellectual developmental disorder with microcephaly and with or without ocular malformations or hypogonadotropic hypogonadism. Last evaluated: 2025-01-09. Review status: criteria provided, single submitter. Criteria: ACMG Guidelines, 2015. Collection method: clinical testing. Allele origin: germline. Affected: yes.
Comment: The variant is not observed in the gnomAD v4.1.0 dataset. Predicted Consequence/Location: The variant is located in a mutational hot spot and/or well-established functional domain in which established pathogenic variants have been reported. In silico tool predictions suggest damaging effect of the variant on gene or gene product [REVEL: 0.88 (>=0.6, sensitivity 0.68 and specificity 0.92)]. A different missense change at the same codon (p.Pro114Ser) has been reported to be associated with SOX11-related disorder (ClinVar ID: VCV003251956). Therefore, this variant is classified as Likely pathogenic according to the recommendation of ACMG/AMP guideline.